The following is an entry in ClinVar:

ClinVar aggregate classification (germline): Likely pathogenic (1 of 4 stars; one submission).

Conditions:
Polyglandular autoimmune syndrome, type 1 (APS1). Also called: PGA I; Autoimmune polyendocrinopathy syndrome , type I, with or without reversible metaphyseal dysplasia; HYPOADRENOCORTICISM WITH HYPOPARATHYROIDISM AND SUPERFICIAL MONILIASIS; Autoimmune polyendocrine syndrome type 1; AUTOIMMUNE POLYENDOCRINE SYNDROME, TYPE I, WITH OR WITHOUT REVERSIBLE METAPHYSEAL DYSPLASIA; APS I. Identifiers: Orphanet 3453, MedGen C0085859, MONDO:0009411, OMIM 240300.

Allele frequency attached by ClinVar (database versions not stated): gnomAD exomes below 0.00001.
gnomAD v4.1: 1 of 1,600,164 alleles (0.000062%); highest among the groups gnomAD compares: Non-Finnish European, 0.000085%; no homozygotes.

Submission:

Labcorp Genetics (formerly Invitae), Labcorp
Classification: Likely pathogenic for Polyglandular autoimmune syndrome, type 1. Last evaluated: 2023-05-02. Review status: criteria provided, single submitter. Criteria: Invitae Variant Classification Sherloc (09022015). Collection method: clinical testing. Allele origin: germline.
Comment: This sequence change affects a donor splice site in intron 8 of the AIRE gene. It is expected to disrupt RNA splicing. Variants that disrupt the donor or acceptor splice site typically lead to a loss of protein function (PMID: 16199547), and loss-of-function variants in AIRE are known to be pathogenic (PMID: 11524731, 26141571). This variant is not present in population databases (gnomAD no frequency). This variant has not been reported in the literature in individuals affected with AIRE-related conditions. Algorithms developed to predict the effect of sequence changes on RNA splicing suggest that this variant may disrupt the consensus splice site. In summary, the currently available evidence indicates that the variant is pathogenic, but additional data are needed to prove that conclusively. Therefore, this variant has been classified as Likely Pathogenic.

Literature cited by the submitters: PubMed 16199547; PubMed 11524731; PubMed 26141571.

NM_000383.4(AIRE):c.995+1G>A

Gene: AIRE (autoimmune regulator; plus strand). Cytogenetic location: 21q22.3.
Variant type: single nucleotide variant.
Coding change: c.995+1G>A on transcript NM_000383.4 (MANE Select); the canonical splice donor site of the intron after coding-DNA position 995, G replaced by A.
Molecular consequence: splice donor variant.
Genome position (GRCh38, 1-based): chr21:44,291,211, G>A. VCF-style: chr21-44291211-G-A. GRCh37 (hg19) VCF-style: chr21-45711094-G-A.
Identifiers: ClinVar variation 2861552 (VCV002861552.3), dbSNP rs2517882229, ClinGen allele CA410425027.